The following is an entry in ClinVar:

ClinVar aggregate classification (germline): Uncertain significance (1 of 4 stars; one submission).

Allele frequency attached by ClinVar (database versions not stated): ExAC 0.00001; gnomAD 0.00001; TOPMed 0.00001.
gnomAD v4.1: 31 of 1,613,222 alleles (0.0019%); highest among the groups gnomAD compares: Non-Finnish European, 0.0024%; no homozygotes.

Submission:

Labcorp Genetics (formerly Invitae), Labcorp
Classification: Uncertain significance. Last evaluated: 2023-08-04. Review status: criteria provided, single submitter. Criteria: Invitae Variant Classification Sherloc (09022015). Collection method: clinical testing. Allele origin: germline.
Comment: This sequence change replaces arginine, which is basic and polar, with histidine, which is basic and polar, at codon 798 of the DLC1 protein (p.Arg798His). This variant is present in population databases (rs755906883, gnomAD 0.007%). This variant has not been reported in the literature in individuals affected with DLC1-related conditions. ClinVar contains an entry for this variant (Variation ID: 2039904). Algorithms developed to predict the effect of missense changes on protein structure and function output the following: SIFT: "Not Available"; PolyPhen-2: "Benign"; Align-GVGD: "Not Available". The histidine amino acid residue is found in multiple mammalian species, which suggests that this missense change does not adversely affect protein function. In summary, the available evidence is currently insufficient to determine the role of this variant in disease. Therefore, it has been classified as a Variant of Uncertain Significance.

NM_182643.3(DLC1):c.2393G>A (p.Arg798His)

Gene: DLC1 (DLC1 Rho GTPase activating protein; minus strand). Cytogenetic location: 8p22.
Variant type: single nucleotide variant.
Coding change: c.2393G>A on transcript NM_182643.3 (MANE Select); coding-DNA position 2393, G replaced by A.
Protein change: p.Arg798His; replaces arginine 798 with histidine.
Molecular consequence: missense variant.
Genome position (GRCh38, 1-based): chr8:13,099,944, C>T on the plus strand (G>A on the coding strand, the complement: DLC1 is on the minus strand). VCF-style: chr8-13099944-C-T. GRCh37 (hg19) VCF-style: chr8-12957453-C-T.
Other names: c.860G>A, p.Arg287His (NM_001164271.2, NM_001348082.2, NM_001348083.1 and 6 more transcripts); c.1184G>A, p.Arg395His (NM_001316668.2, NM_001413129.1); c.2393G>A, p.Arg798His (NM_001348081.2, NM_001413124.1); c.1082G>A, p.Arg361His (NM_001413139.1, NM_006094.5, NM_001413135.1 and 1 more transcripts); c.1217G>A, p.Arg406His (NM_001413140.1); c.1175G>A, p.Arg392His (NM_001413130.1); c.833G>A, p.Arg278His (NM_001413131.1, NM_001413137.1); c.1319G>A, p.Arg440His (NM_001413132.1); short protein forms R278H, R406H, R287H, R395H, R440H, R798H, R361H, R392H.
Identifiers: ClinVar variation 2039904 (VCV002039904.4), dbSNP rs755906883, ClinGen allele CA4638634.